The following is an entry in ClinVar:

NM_000093.5(COL5A1):c.64C>G (p.Pro22Ala)

Gene: COL5A1 (collagen type V alpha 1 chain; plus strand). Cytogenetic location: 9q34.3.
Variant type: single nucleotide variant.
Coding change: c.64C>G on transcript NM_000093.5 (MANE Select); coding-DNA position 64, C replaced by G.
Protein change: p.Pro22Ala; replaces proline 22 with alanine.
Molecular consequence: missense variant.
Genome position (GRCh38, 1-based): chr9:134,642,251, C>G. VCF-style: chr9-134642251-C-G. GRCh37 (hg19) VCF-style: chr9-137534097-C-G.
Other names: p.Pro22Ala; c.64C>G, p.Pro22Ala (NM_001278074.1); short protein forms P22A.
Identifiers: ClinVar variation 2683086 (VCV002683086.1), dbSNP rs963540956, ClinGen allele CA201068653.

ClinVar aggregate classification (germline): Uncertain significance (1 of 4 stars; one submission).

Submission:

Mayo Clinic Laboratories, Mayo Clinic
Classification: Uncertain significance. Last evaluated: 2022-08-03. Review status: criteria provided, single submitter. Criteria: ACMG Guidelines, 2015. Collection method: clinical testing. Allele origin: germline. Observed: 1 variant allele.
Comment: BP4, PM2_supporting